The following is an entry in ClinVar:

NM_001077365.2(POMT1):c.1637G>A (p.Ser546Asn)

Gene: POMT1 (protein O-mannosyltransferase 1; plus strand). Cytogenetic location: 9q34.13.
Variant type: single nucleotide variant.
Coding change: c.1637G>A on transcript NM_001077365.2 (MANE Select); coding-DNA position 1637, G replaced by A.
Protein change: p.Ser546Asn; replaces serine 546 with asparagine.
Molecular consequence: missense variant. On other transcripts: non-coding transcript variant (10).
Genome position (GRCh38, 1-based): chr9:131,520,132, G>A. VCF-style: chr9-131520132-G-A. GRCh37 (hg19) VCF-style: chr9-134395519-G-A.
Other names: c.1475G>A, p.Ser492Asn (NM_001077366.2, NM_001353194.2); c.1637G>A, p.Ser546Asn (NM_001136113.2); c.1286G>A, p.Ser429Asn (NM_001136114.2, NM_001353195.2, NM_001374691.1 and 2 more transcripts); c.1703G>A, p.Ser568Asn (NM_001353193.2, NM_007171.4); c.1547G>A, p.Ser516Asn (NM_001353196.2); c.1541G>A, p.Ser514Asn (NM_001353197.2, NM_001353198.2); c.1352G>A, p.Ser451Asn (NM_001353199.2); c.1181G>A, p.Ser394Asn (NM_001353200.2); and 4 more; short protein forms S451N, S169N, S416N, S473N, S516N, S542N, S429N, S546N.
Identifiers: ClinVar variation 2050786 (VCV002050786.4), dbSNP rs1949619639, ClinGen allele CA375313124.

ClinVar aggregate classification (germline): Uncertain significance (1 of 4 stars; one submission).

Conditions:
Muscular dystrophy-dystroglycanopathy (congenital with impaired intellectual development), type B, 1. Also called: Muscular dystrophy-dystroglycanopathy (congenital with intellectual disability), type B1; MUSCULAR DYSTROPHY, CONGENITAL, POMT1-RELATED. Identifiers: MedGen C5436962, MONDO:0013159, OMIM 613155.
Walker-Warburg congenital muscular dystrophy. Also called: Muscular dystrophy-dystroglycanopathy, type A; Walker-Warburg syndrome. Identifiers: Orphanet 899, MedGen C0265221, MONDO:0000171.
Autosomal recessive limb-girdle muscular dystrophy type 2K. Also called: MUSCULAR DYSTROPHY-DYSTROGLYCANOPATHY (LIMB-GIRDLE), TYPE C, 1; MUSCULAR DYSTROPHY, LIMB-GIRDLE, TYPE 2K. Identifiers: Orphanet 86812, MedGen C1836373, MONDO:0012248, OMIM 609308.

Submission:

Labcorp Genetics (formerly Invitae), Labcorp
Classification: Uncertain significance for Muscular dystrophy-dystroglycanopathy (congenital with impaired intellectual development), type B, 1; Walker-Warburg congenital muscular dystrophy; Autosomal recessive limb-girdle muscular dystrophy type 2K. Last evaluated: 2021-12-20. Review status: criteria provided, single submitter. Criteria: Invitae Variant Classification Sherloc (09022015). Collection method: clinical testing. Allele origin: germline.
Comment: This variant has not been reported in the literature in individuals affected with POMT1-related conditions. This variant is not present in population databases (gnomAD no frequency). This sequence change replaces serine, which is neutral and polar, with asparagine, which is neutral and polar, at codon 568 of the POMT1 protein (p.Ser568Asn). Algorithms developed to predict the effect of missense changes on protein structure and function (SIFT, PolyPhen-2, Align-GVGD) all suggest that this variant is likely to be tolerated. In summary, the available evidence is currently insufficient to determine the role of this variant in disease. Therefore, it has been classified as a Variant of Uncertain Significance.